The following is an entry in ClinVar:

ClinVar aggregate classification (germline): Uncertain significance (1 of 4 stars; one submission).

Submission:

Labcorp Genetics (formerly Invitae), Labcorp
Classification: Uncertain significance. Last evaluated: 2021-09-03. Review status: criteria provided, single submitter. Criteria: Invitae Variant Classification Sherloc (09022015). Collection method: clinical testing. Allele origin: germline.
Comment: Advanced modeling of protein sequence and biophysical properties (such as structural, functional, and spatial information, amino acid conservation, physicochemical variation, residue mobility, and thermodynamic stability) performed at Invitae indicates that this missense variant is not expected to disrupt DUOX2 protein function. This variant has not been reported in the literature in individuals affected with DUOX2-related conditions. This variant is not present in population databases (ExAC no frequency). This sequence change replaces valine with leucine at codon 330 of the DUOX2 protein (p.Val330Leu). The valine residue is weakly conserved and there is a small physicochemical difference between valine and leucine. In summary, the available evidence is currently insufficient to determine the role of this variant in disease. Therefore, it has been classified as a Variant of Uncertain Significance.

NM_001363711.2(DUOX2):c.988G>T (p.Val330Leu)

Gene: DUOX2 (dual oxidase 2; minus strand). Cytogenetic location: 15q21.1.
Variant type: single nucleotide variant.
Coding change: c.988G>T on transcript NM_001363711.2 (MANE Select); coding-DNA position 988, G replaced by T.
Protein change: p.Val330Leu; replaces valine 330 with leucine.
Molecular consequence: missense variant.
Genome position (GRCh38, 1-based): chr15:45,110,480, C>A on the plus strand (G>T on the coding strand, the complement: DUOX2 is on the minus strand). VCF-style: chr15-45110480-C-A. GRCh37 (hg19) VCF-style: chr15-45402678-C-A.
Other names: c.988G>T, p.Val330Leu (NM_014080.5); short protein forms V330L.
Identifiers: ClinVar variation 1503568 (VCV001503568.6), dbSNP rs2141156134, ClinGen allele CA392278104.